The following is an entry in ClinVar:

NM_000346.4(SOX9):c.1045C>A (p.Pro349Thr)

Gene: SOX9 (SRY-box transcription factor 9; plus strand). Cytogenetic location: 17q24.3.
Variant type: single nucleotide variant.
Coding change: c.1045C>A on transcript NM_000346.4 (MANE Select); coding-DNA position 1045, C replaced by A.
Protein change: p.Pro349Thr; replaces proline 349 with threonine.
Molecular consequence: missense variant.
Genome position (GRCh38, 1-based): chr17:72,123,902, C>A. VCF-style: chr17-72123902-C-A. GRCh37 (hg19) VCF-style: chr17-70120043-C-A.
Other names: short protein forms P349T.
Identifiers: ClinVar variation 3668052 (VCV003668052.4).

ClinVar aggregate classification (germline): Uncertain significance. Review status: criteria provided, multiple submitters, no conflicts (2 of 4 stars). 2 submissions from 2 submitters: Uncertain significance (2). Last evaluated 2025-07-03.

Conditions:
Camptomelic dysplasia (CMPD). Also called: CMPD1/SRA1; Campomelic Dysplasia. Identifiers: Orphanet 140, MedGen C1861922, MONDO:0007251, OMIM 114290.

gnomAD v4.1: 1 of 1,347,364 alleles (0.000074%); highest among the groups gnomAD compares: Non-Finnish European, 0.000095%; no homozygotes.

Submissions (2):

Labcorp Genetics (formerly Invitae), Labcorp
Classification: Uncertain significance for Camptomelic dysplasia. Last evaluated: 2025-07-03. Review status: criteria provided, single submitter. Criteria: Invitae Variant Classification Sherloc (09022015). Collection method: clinical testing. Allele origin: germline.
Comment: This sequence change replaces proline, which is neutral and non-polar, with threonine, which is neutral and polar, at codon 349 of the SOX9 protein (p.Pro349Thr). This variant is not present in population databases (gnomAD no frequency). This variant has not been reported in the literature in individuals affected with SOX9-related conditions. ClinVar contains an entry for this variant (Variation ID: 3668052). Invitae Evidence Modeling of protein sequence and biophysical properties (such as structural, functional, and spatial information, amino acid conservation, physicochemical variation, residue mobility, and thermodynamic stability) indicates that this missense variant is not expected to disrupt SOX9 protein function with a negative predictive value of 95%. In summary, the available evidence is currently insufficient to determine the role of this variant in disease. Therefore, it has been classified as a Variant of Uncertain Significance.

Women's Health and Genetics/Laboratory Corporation of America, LabCorp
Classification: Uncertain significance. Last evaluated: 2025-01-07. Review status: criteria provided, single submitter. Criteria: LabCorp Variant Classification Summary - May 2015. Collection method: clinical testing. Allele origin: germline.
Comment: Variant summary: SOX9 c.1045C>A (p.Pro349Thr) results in a non-conservative amino acid change in the encoded protein sequence. Three of five in-silico tools predict a damaging effect of the variant on protein function. The variant was absent in 16242 control chromosomes. The available data on variant occurrences in the general population are insufficient to allow any conclusion about variant significance. To our knowledge, no occurrence of c.1045C>A in individuals affected with Camptomelic Dysplasia and no experimental evidence demonstrating its impact on protein function have been reported. No submitters have cited clinical-significance assessments for this variant to ClinVar. Based on the evidence outlined above, the variant was classified as uncertain significance.